The following is an entry in ClinVar:

NM_012243.3(SLC35A3):c.586dup (p.Ile196fs)

Gene: SLC35A3 (solute carrier family 35 member A3; plus strand). Cytogenetic location: 1p21.2.
Variant type: Duplication.
Coding change: c.586dup on transcript NM_012243.3 (MANE Select); coding-DNA position 586, one base duplicated (A; older notation c.586dupA).
Protein change: p.Ile196fs; shifts the reading frame from isoleucine 196.
Molecular consequence: frameshift variant.
Genome position (GRCh38, 1-based): chr1:100,011,485, A duplicated; the last of 4 consecutive A bases (chr1:100,011,482-100,011,485); duplicating any one gives the same sequence. VCF-style (leftmost placement, unchanged base first): chr1-100011481-G-GA. GRCh37 (hg19) VCF-style: chr1-100477037-G-GA.
Other names: c.586dup, p.Ile196fs (NM_001271684.2); c.712dup, p.Ile238fs (NM_001271685.2); short protein forms I238fs, I196fs.
Identifiers: ClinVar variation 3583176 (VCV003583176.3).

ClinVar aggregate classification (germline): Pathogenic/Likely pathogenic. Review status: criteria provided, multiple submitters, no conflicts (2 of 4 stars). 2 submissions from 2 submitters: Pathogenic (1); Likely pathogenic (1). Last evaluated 2026-01-13.

Conditions:
Autism spectrum disorder - epilepsy - arthrogryposis syndrome (AMRS). Identifiers: Orphanet 370943, MedGen C3809910, MONDO:0014248, OMIM 615553.

Submissions (2):

Labcorp Genetics (formerly Invitae), Labcorp
Classification: Pathogenic for Autism spectrum disorder - epilepsy - arthrogryposis syndrome. Last evaluated: 2026-01-13. Review status: criteria provided, single submitter. Criteria: Invitae Variant Classification Sherloc (09022015). Collection method: clinical testing. Allele origin: germline.
Comment: This sequence change creates a premature translational stop signal (p.Ile196Asnfs*32) in the SLC35A3 gene. It is expected to result in an absent or disrupted protein product. Loss-of-function variants in SLC35A3 are known to be pathogenic (PMID: 24031089, 28328131). This variant is not present in population databases (gnomAD no frequency). This variant has not been reported in the literature in individuals affected with SLC35A3-related conditions. ClinVar contains an entry for this variant (Variation ID: 3583176). For these reasons, this variant has been classified as Pathogenic.

Fulgent Genetics
Classification: Likely pathogenic for Autism spectrum disorder - epilepsy - arthrogryposis syndrome. Last evaluated: 2024-03-14. Review status: criteria provided, single submitter. Criteria: ACMG Guidelines, 2015. Collection method: clinical testing. Allele origin: germline.

Literature cited by the submitters: PubMed 24031089 (cited by Labcorp Genetics (formerly Invitae), Labcorp); PubMed 28328131 (cited by Labcorp Genetics (formerly Invitae), Labcorp).